The following is an entry in ClinVar:

NM_007118.4(TRIO):c.5916C>T (p.Tyr1972=)

Gene: TRIO (trio Rho guanine nucleotide exchange factor; plus strand). Cytogenetic location: 5p15.2.
Variant type: single nucleotide variant.
Coding change: c.5916C>T on transcript NM_007118.4 (MANE Select); coding-DNA position 5916, C replaced by T.
Protein change: p.Tyr1972=; no amino-acid change (tyrosine 1972 retained).
Molecular consequence: synonymous variant. On other transcripts: non-coding transcript variant (1).
Genome position (GRCh38, 1-based): chr5:14,472,595, C>T. VCF-style: chr5-14472595-C-T. GRCh37 (hg19) VCF-style: chr5-14472704-C-T.
Identifiers: ClinVar variation 4875509 (VCV004875509.2).
Genomic context (GRCh38, chr5:14,472,595, plus strand): 5'-ACAAAAAAATTCATTTAGAAAACAGTTTGCATGATAAACAATATTTTTTCTCTCCAGCTA[C>T]GTTTTGCAAGAACTAGTGGAGACAGAGCGTGACTATGTGCGGGACCTTGGCTATGTGGTT-3'
Protein context (NP_009049.2, residues 1962-1982): RKSSSLKRRH[Tyr1972=]VLQELVETER

ClinVar aggregate classification (germline): Likely benign (1 of 4 stars; one submission).

gnomAD v4.1: 81 of 1,614,010 alleles (0.005%); highest among the groups gnomAD compares: South Asian, 0.055%; no homozygotes.

Submission:

CeGaT Center for Human Genetics Tuebingen
Classification: Likely benign. Last evaluated: 2026-04-01. Review status: criteria provided, single submitter. Criteria: CeGaT Center For Human Genetics Tuebingen Variant Classification Criteria Version 2. Collection method: clinical testing. Allele origin: germline. Affected: yes. Observed: 1 variant allele.
Comment: TRIO: BP4, BP7